The following is an entry in ClinVar:

NM_025144.4(ALPK1):c.1826A>G (p.Lys609Arg)

Gene: ALPK1 (alpha kinase 1; plus strand). Cytogenetic location: 4q25.
Variant type: single nucleotide variant.
Coding change: c.1826A>G on transcript NM_025144.4 (MANE Select); coding-DNA position 1826, A replaced by G.
Protein change: p.Lys609Arg; replaces lysine 609 with arginine.
Molecular consequence: missense variant.
Genome position (GRCh38, 1-based): chr4:112,431,373, A>G. VCF-style: chr4-112431373-A-G. GRCh37 (hg19) VCF-style: chr4-113352529-A-G.
Other names: c.1826A>G, p.Lys609Arg (NM_001102406.2); c.1592A>G, p.Lys531Arg (NM_001253884.2); short protein forms K609R, K531R.
Identifiers: ClinVar variation 2072974 (VCV002072974.4), dbSNP rs1352554935, ClinGen allele CA357896204.

ClinVar aggregate classification (germline): Uncertain significance (1 of 4 stars; one submission).

Allele frequency attached by ClinVar (database versions not stated): gnomAD exomes below 0.00001.
gnomAD v4.1: 2 of 1,614,230 alleles (0.00012%); highest among the groups gnomAD compares: East Asian, 0.0022%; no homozygotes.

Submission:

Labcorp Genetics (formerly Invitae), Labcorp
Classification: Uncertain significance. Last evaluated: 2022-07-16. Review status: criteria provided, single submitter. Criteria: Invitae Variant Classification Sherloc (09022015). Collection method: clinical testing. Allele origin: germline.
Comment: Algorithms developed to predict the effect of missense changes on protein structure and function output the following: SIFT: "Tolerated"; PolyPhen-2: "Benign"; Align-GVGD: "Class C0". The arginine amino acid residue is found in multiple mammalian species, which suggests that this missense change does not adversely affect protein function. This variant has not been reported in the literature in individuals affected with ALPK1-related conditions. This variant is present in population databases (no rsID available, gnomAD 0.006%). This sequence change replaces lysine, which is basic and polar, with arginine, which is basic and polar, at codon 609 of the ALPK1 protein (p.Lys609Arg). In summary, the available evidence is currently insufficient to determine the role of this variant in disease. Therefore, it has been classified as a Variant of Uncertain Significance.